The following is an entry in ClinVar:

GRCh37/hg19 16p13.11(chr16:15127985-16527476)x3

Genes: NOMO3 (NODAL modulator 3; plus strand), NPIPA5 (nuclear pore complex interacting protein family member A5; minus strand), NTAN1 (N-terminal asparagine amidase), PDXDC1 (pyridoxal dependent decarboxylase domain containing 1), RRN3 (RRN3 homolog, RNA polymerase I transcription factor) and 8 more. Cytogenetic location: 16p13.11.
Variant type: copy number gain.
Change: copy number 3 (three copies instead of two) of chr16:15,127,985-16,527,476 (1.40 Mb, GRCh37 coordinates, 1-based), cytogenetic band 16p13.11.
Identifiers: ClinVar variation 980075 (VCV000980075.3).

ClinVar aggregate classification (germline): Likely pathogenic (1 of 4 stars; one submission).

Submission:

Quest Diagnostics Nichols Institute San Juan Capistrano
Classification: Likely pathogenic. Last evaluated: 2022-08-20. Review status: criteria provided, single submitter. Criteria: ACMG/ClinGen CNV Guidelines, 2019. Collection method: clinical testing. Allele origin: unknown.
Comment: This copy number gain of 16p13.11 involves multiple protein-coding genes and confers susceptibility to a range of neurodevelopmental disorders and increased risk for cardiovascular disease (Allach El Khattabi et al., J Med Genet. 2018 Oct 4. Pii: jmedgenet-2018-105389. PMID: 30287593). Similar duplications are repeatedly observed in uncharacterized controls and in unaffected relatives (Ullmann R et al., Hum Mutat. 2007 Jul;28(7):674-82.PMID: 17480035; Hannes FD et al., J Med Genet. 2009 Apr;46(4):223-32. PMID: 18550696). However, the duplication is enriched in patients versus controls in multiple case-control studies (Coe et al., Nat Genet. 2014 Oct;46(10):1063-71., PMID: 25217958; Girirajan et al., N Engl J Med. 2012 Oct 4;367(14):1321-31., PMID: 22970919), with some exceptions (Kaminsky et al., Genet Med. 2011 Sep;13(9):777-84., PMID: 21844811). Thus, the clinical significance of this copy number variant (CNV) is likely pathogenic, with variable expressivity and incomplete penetrance.